The following is an entry in ClinVar:

ClinVar aggregate classification (germline): Uncertain significance (1 of 4 stars; one submission).

Submission:

CeGaT Center for Human Genetics Tuebingen
Classification: Uncertain significance. Last evaluated: 2025-10-01. Review status: criteria provided, single submitter. Criteria: CeGaT Center For Human Genetics Tuebingen Variant Classification Criteria Version 2. Collection method: clinical testing. Allele origin: germline. Affected: yes. Observed: 1 variant allele.
Comment: KDM6A: PM2

NM_001291415.2(KDM6A):c.4141C>A (p.His1381Asn)

Gene: KDM6A (lysine demethylase 6A; plus strand). Cytogenetic location: Xp11.3.
Variant type: single nucleotide variant.
Coding change: c.4141C>A on transcript NM_001291415.2 (MANE Select); coding-DNA position 4141, C replaced by A.
Protein change: p.His1381Asn; replaces histidine 1381 with asparagine.
Molecular consequence: missense variant. On other transcripts: non-coding transcript variant (1).
Genome position (GRCh38, 1-based): chrX:45,107,516, C>A. VCF-style: chrX-45107516-C-A. GRCh37 (hg19) VCF-style: chrX-44966761-C-A.
Other names: c.4006C>A, p.His1336Asn (NM_001291416.2); c.3850C>A, p.His1284Asn (NM_001291417.2); c.3748C>A, p.His1250Asn (NM_001291418.2); c.3097C>A, p.His1033Asn (NM_001291421.2); c.3883C>A, p.His1295Asn (NM_001410742.1); c.4249C>A, p.His1417Asn (NM_001419809.1); c.4147C>A, p.His1383Asn (NM_001419810.1); c.4114C>A, p.His1372Asn (NM_001419811.1); and 5 more; short protein forms H1033N, H1250N, H1284N, H1286N, H1295N, H1329N, H1331N, H1336N.
Identifiers: ClinVar variation 4281324 (VCV004281324.7).
Genomic context (GRCh38, chrX:45,107,516, plus strand): 5'-GCTCTCATTGCTGCAGGAAAAGAGATTATATGGCATGGGCGGACAAAAGAAGAACCAGCT[C>A]ATTACTGTAGCATTTGTGAAGTAAGTAATTGTTTTTATCCACAGTTGTTTTATAAAGCCT-3'
Protein context (NP_001278344.1, residues 1371-1391): WHGRTKEEPA[His1381Asn]YCSICEVEVF